The following is an entry in ClinVar:

NC_000011.9:g.(?_64575343)_(64578188_?)del

Gene: MEN1 (menin 1; minus strand). Cytogenetic location: 11q13.1.
Variant type: Deletion.
Identifiers: ClinVar variation 3244547 (VCV003244547.1).

ClinVar aggregate classification (germline): Pathogenic (1 of 4 stars; one submission).

Conditions:
Multiple endocrine neoplasia, type 1 (MEN1). Also called: Endocrine adenomatosis multiple; MEN 1; MEA I; MEN I; WERMER SYNDROME. Identifiers: Orphanet 652, MedGen C0025267, MeSH D018761, MONDO:0007540, OMIM 131100.

Submission:

Labcorp Genetics (formerly Invitae), Labcorp
Classification: Pathogenic for Multiple endocrine neoplasia, type 1. Last evaluated: 2023-03-29. Review status: criteria provided, single submitter. Criteria: Invitae Variant Classification Sherloc (09022015). Collection method: clinical testing. Allele origin: unknown.
Comment: For these reasons, this variant has been classified as Pathogenic. A similar copy number variant has been observed in individual(s) with clinical features of MEN1-related conditions (PMID: 22470073, 24522746). It has also been observed to segregate with disease in related individuals. This variant is a gross deletion of the genomic region encompassing exon(s) 1-3 of the MEN1 gene, which includes the initiator codon. This deletion extends beyond the assayed region for this gene and therefore may encompass additional genes. It is expected to result in an absent or disrupted protein product. Loss-of-function variants in MEN1 are known to be pathogenic (PMID: 12112656, 17853334).

Literature cited by the submitters: PubMed 22470073; PubMed 24522746; PubMed 12112656; PubMed 17853334.